The following is an entry in ClinVar:

NM_004727.3(SLC24A1):c.1094G>A (p.Trp365Ter)

Gene: SLC24A1 (solute carrier family 24 member 1; plus strand). Cytogenetic location: 15q22.31.
Variant type: single nucleotide variant.
Coding change: c.1094G>A on transcript NM_004727.3 (MANE Select); coding-DNA position 1094, G replaced by A.
Protein change: p.Trp365Ter; replaces tryptophan 365 with a stop codon.
Molecular consequence: nonsense.
Genome position (GRCh38, 1-based): chr15:65,625,174, G>A. VCF-style: chr15-65625174-G-A. GRCh37 (hg19) VCF-style: chr15-65917512-G-A.
Other names: c.1094G>A, p.Trp365Ter (NM_001301031.1, NM_001301032.1, NM_001301033.2 and 1 more transcripts); short protein forms W365*.
Identifiers: ClinVar variation 1922108 (VCV001922108.5), dbSNP rs375552552, ClinGen allele CA7619844.

ClinVar aggregate classification (germline): Pathogenic (1 of 4 stars; one submission).

Allele frequency attached by ClinVar (database versions not stated): gnomAD exomes 0.00001; ExAC 0.00002; gnomAD 0.00002; TOPMed 0.00002; ESP Exome Variant Server 0.00008.
gnomAD v4.1: 23 of 1,613,800 alleles (0.0014%); highest among the groups gnomAD compares: Non-Finnish European, 0.0017%; no homozygotes.

Submission:

Labcorp Genetics (formerly Invitae), Labcorp
Classification: Pathogenic. Last evaluated: 2022-11-29. Review status: criteria provided, single submitter. Criteria: Invitae Variant Classification Sherloc (09022015). Collection method: clinical testing. Allele origin: germline.
Comment: For these reasons, this variant has been classified as Pathogenic. This variant has not been reported in the literature in individuals affected with SLC24A1-related conditions. This variant is present in population databases (rs375552552, gnomAD 0.003%). This sequence change creates a premature translational stop signal (p.Trp365*) in the SLC24A1 gene. It is expected to result in an absent or disrupted protein product. Loss-of-function variants in SLC24A1 are known to be pathogenic (PMID: 20850105, 26822852).

Literature cited by the submitters: PubMed 20850105; PubMed 26822852.